The following is an entry in ClinVar:

ClinVar aggregate classification (germline): Uncertain significance (1 of 4 stars; one submission).

Conditions:
Nephronophthisis 15 (NPHP15). Identifiers: Orphanet 3156, MedGen C3541853, MONDO:0013917, OMIM 614845.

Submission:

Labcorp Genetics (formerly Invitae), Labcorp
Classification: Uncertain significance for Nephronophthisis 15. Last evaluated: 2022-03-03. Review status: criteria provided, single submitter. Criteria: Invitae Variant Classification Sherloc (09022015). Collection method: clinical testing. Allele origin: germline.
Comment: This sequence change replaces asparagine, which is neutral and polar, with lysine, which is basic and polar, at codon 1051 of the CEP164 protein (p.Asn1051Lys). This variant is not present in population databases (gnomAD no frequency). This variant has not been reported in the literature in individuals affected with CEP164-related conditions. ClinVar contains an entry for this variant (Variation ID: 1002159). Algorithms developed to predict the effect of missense changes on protein structure and function output the following: SIFT: "Tolerated"; PolyPhen-2: "Benign"; Align-GVGD: "Class C0". The lysine amino acid residue is found in multiple mammalian species, which suggests that this missense change does not adversely affect protein function. In summary, the available evidence is currently insufficient to determine the role of this variant in disease. Therefore, it has been classified as a Variant of Uncertain Significance.

NM_014956.5(CEP164):c.3153T>G (p.Asn1051Lys)

Gene: CEP164 (centrosomal protein 164; plus strand). Cytogenetic location: 11q23.3.
Variant type: single nucleotide variant.
Coding change: c.3153T>G on transcript NM_014956.5 (MANE Select); coding-DNA position 3153, T replaced by G.
Protein change: p.Asn1051Lys; replaces asparagine 1051 with lysine.
Molecular consequence: missense variant.
Genome position (GRCh38, 1-based): chr11:117,396,117, T>G. VCF-style: chr11-117396117-T-G. GRCh37 (hg19) VCF-style: chr11-117266833-T-G.
Other names: c.3162T>G, p.Asn1054Lys (NM_001271933.2); short protein forms N1051K, N1054K.
Identifiers: ClinVar variation 1002159 (VCV001002159.6), dbSNP rs2045422580, ClinGen allele CA382733202.